The following is an entry in ClinVar:

NM_006767.4(LZTR1):c.792-1G>T

Gene: LZTR1 (leucine zipper like post translational regulator 1; plus strand). Cytogenetic location: 22q11.21.
Variant type: single nucleotide variant.
Coding change: c.792-1G>T on transcript NM_006767.4 (MANE Select); the canonical splice acceptor site of the intron before coding-DNA position 792, G replaced by T.
Molecular consequence: splice acceptor variant.
Genome position (GRCh38, 1-based): chr22:20,991,627, G>T. VCF-style: chr22-20991627-G-T. GRCh37 (hg19) VCF-style: chr22-21345916-G-T.
Identifiers: ClinVar variation 3022996 (VCV003022996.4), dbSNP rs761185148, ClinGen allele CA410781066.

ClinVar aggregate classification (germline): Likely pathogenic (1 of 4 stars; one submission).

Submissions (2):

Labcorp Genetics (formerly Invitae), Labcorp
Classification: Likely pathogenic. Last evaluated: 2024-03-20. Review status: criteria provided, single submitter. Criteria: Invitae Variant Classification Sherloc (09022015). Collection method: clinical testing. Allele origin: germline.
Comment: This sequence change affects an acceptor splice site in intron 8 of the LZTR1 gene. It is expected to disrupt RNA splicing. Variants that disrupt the donor or acceptor splice site typically lead to a loss of protein function (PMID: 16199547), and loss-of-function variants in LZTR1 are known to be pathogenic (PMID: 24362817, 25335493, 25480913, 25795793, 29469822, 30368668, 30442762, 30442766, 30481304, 30859559). This variant is not present in population databases (gnomAD no frequency). This variant has not been reported in the literature in individuals affected with LZTR1-related conditions. Algorithms developed to predict the effect of sequence changes on RNA splicing suggest that this variant may disrupt the consensus splice site. In summary, the currently available evidence indicates that the variant is pathogenic, but additional data are needed to prove that conclusively. Therefore, this variant has been classified as Likely Pathogenic.

Dr. Peter K. Rogan Lab, Western University
No classification provided (evidence only). Condition: Uterine corpus endometrial carcinoma. Review status: no classification provided. Collection method: in vitro. Allele origin: not applicable. Functional consequence: retained intron. Not counted in ClinVar's aggregate classification.

Literature cited by the submitters: PubMed 16199547 (cited by Labcorp Genetics (formerly Invitae), Labcorp); PubMed 24362817 (cited by Labcorp Genetics (formerly Invitae), Labcorp); PubMed 25335493 (cited by Labcorp Genetics (formerly Invitae), Labcorp); PubMed 25480913 (cited by Labcorp Genetics (formerly Invitae), Labcorp); PubMed 25795793 (cited by Labcorp Genetics (formerly Invitae), Labcorp); PubMed 29469822 (cited by Labcorp Genetics (formerly Invitae), Labcorp); PubMed 30368668 (cited by Labcorp Genetics (formerly Invitae), Labcorp); PubMed 30442762 (cited by Labcorp Genetics (formerly Invitae), Labcorp); PubMed 30442766 (cited by Labcorp Genetics (formerly Invitae), Labcorp); PubMed 30481304 (cited by Labcorp Genetics (formerly Invitae), Labcorp); PubMed 30859559 (cited by Labcorp Genetics (formerly Invitae), Labcorp).